The following is an entry in ClinVar:

ClinVar aggregate classification (germline): Conflicting classifications of pathogenicity. Review status: criteria provided, conflicting classifications (1 of 4 stars). 2 submissions from 2 submitters: Pathogenic (1); Uncertain significance (1). Last evaluated 2022-10-31.

Conditions:
Intellectual developmental disorder, autosomal dominant 42. Also called: Intellectual disability, autosomal dominant 42; Global developmental delay-neuro-ophthalmological abnormalities-seizures-intellectual disability syndrome; GNB1 Encephalopathy. Identifiers: Orphanet 488613, MedGen C4310774, MONDO:0014855, OMIM 616973.

Submissions (2):

Greenwood Genetic Center Diagnostic Laboratories, Greenwood Genetic Center
Classification: Pathogenic for Intellectual developmental disorder, autosomal dominant 42. Last evaluated: 2022-10-31. Review status: criteria provided, single submitter. Criteria: ACMG Guidelines, 2015. Collection method: clinical testing. Allele origin: germline. Affected: yes.
Comment: PS2, PM2, PM5, PP2, PP3

Labcorp Genetics (formerly Invitae), Labcorp
Classification: Uncertain significance. Last evaluated: 2022-05-28. Review status: criteria provided, single submitter. Criteria: Invitae Variant Classification Sherloc (09022015). Collection method: clinical testing. Allele origin: germline.
Comment: This variant has not been reported in the literature in individuals affected with GNB1-related conditions. This sequence change replaces proline, which is neutral and non-polar, with arginine, which is basic and polar, at codon 94 of the GNB1 protein (p.Pro94Arg). This variant is not present in population databases (gnomAD no frequency). Algorithms developed to predict the effect of missense changes on protein structure and function are either unavailable or do not agree on the potential impact of this missense change (SIFT: "Deleterious"; PolyPhen-2: "Benign"; Align-GVGD: "Class C0"). In summary, the available evidence is currently insufficient to determine the role of this variant in disease. Therefore, it has been classified as a Variant of Uncertain Significance.

NM_002074.5(GNB1):c.281C>G (p.Pro94Arg)

Gene: GNB1 (G protein subunit beta 1; minus strand). Cytogenetic location: 1p36.33.
Variant type: single nucleotide variant.
Coding change: c.281C>G on transcript NM_002074.5 (MANE Select); coding-DNA position 281, C replaced by G.
Protein change: p.Pro94Arg; replaces proline 94 with arginine.
Molecular consequence: missense variant. On other transcripts: 5 prime UTR variant (1).
Genome position (GRCh38, 1-based): chr1:1,804,568, G>C on the plus strand (C>G on the coding strand, the complement: GNB1 is on the minus strand). VCF-style: chr1-1804568-G-C. GRCh37 (hg19) VCF-style: chr1-1736007-G-C.
Other names: c.-20C>G (NM_001282538.2); c.281C>G, p.Pro94Arg (NM_001282539.2); short protein forms P94R.
Identifiers: ClinVar variation 2000177 (VCV002000177.8), dbSNP rs2522751007, ClinGen allele CA337915408.